The following is an entry in ClinVar:

NM_001291303.3(FAT4):c.7142C>A (p.Thr2381Lys)

Gene: FAT4 (FAT atypical cadherin 4; plus strand). Cytogenetic location: 4q28.1.
Variant type: single nucleotide variant.
Coding change: c.7142C>A on transcript NM_001291303.3 (MANE Select); coding-DNA position 7142, C replaced by A.
Protein change: p.Thr2381Lys; replaces threonine 2381 with lysine.
Molecular consequence: missense variant.
Genome position (GRCh38, 1-based): chr4:125,434,368, C>A. VCF-style: chr4-125434368-C-A. GRCh37 (hg19) VCF-style: chr4-126355523-C-A.
Other names: c.7142C>A, p.Thr2381Lys (NM_001291285.3, NM_024582.6); short protein forms T2381K.
Identifiers: ClinVar variation 2091201 (VCV002091201.3), dbSNP rs2530842844, ClinGen allele CA358135352.
Genomic context (GRCh38, chr4:125,434,368, plus strand): 5'-TCCCCACATTTGCCAGTAAAGCGTATTTCACAACAATTCCTGAGGATGCACCAACTGGAA[C>A]AGATGTTTTATTGGTAAATGCCTCAGATGCTGATGCTTCAAAGAATGCAGTTATAAGGTC-3'
Protein context (NP_001278232.1, residues 2371-2391): TTIPEDAPTG[Thr2381Lys]DVLLVNASDA

ClinVar aggregate classification (germline): Uncertain significance (1 of 4 stars; one submission).

gnomAD v4.1: 1 of 1,614,020 alleles (0.000062%); highest among the groups gnomAD compares: Non-Finnish European, 0.000085%; no homozygotes.

Submission:

Labcorp Genetics (formerly Invitae), Labcorp
Classification: Uncertain significance. Last evaluated: 2024-12-02. Review status: criteria provided, single submitter. Criteria: Invitae Variant Classification Sherloc (09022015). Collection method: clinical testing. Allele origin: germline.
Comment: This sequence change replaces threonine, which is neutral and polar, with lysine, which is basic and polar, at codon 2381 of the FAT4 protein (p.Thr2381Lys). This variant is not present in population databases (gnomAD no frequency). This variant has not been reported in the literature in individuals affected with FAT4-related conditions. ClinVar contains an entry for this variant (Variation ID: 2091201). Invitae Evidence Modeling of protein sequence and biophysical properties (such as structural, functional, and spatial information, amino acid conservation, physicochemical variation, residue mobility, and thermodynamic stability) indicates that this missense variant is not expected to disrupt FAT4 protein function with a negative predictive value of 80%. In summary, the available evidence is currently insufficient to determine the role of this variant in disease. Therefore, it has been classified as a Variant of Uncertain Significance.